The following is an entry in ClinVar:

ClinVar aggregate classification (germline): Uncertain significance. Review status: criteria provided, multiple submitters, no conflicts (2 of 4 stars). 2 submissions from 2 submitters: Uncertain significance (2). Last evaluated 2022-07-22.

Conditions:
Charcot-Marie-Tooth disease type 4. Also called: Charcot-Marie-Tooth, Type 4; Charcot-Marie-Tooth disease, type IV. Identifiers: Orphanet 64749, MedGen C4082197, MONDO:0018995.

Allele frequency attached by ClinVar (database versions not stated): ExAC 0.00002; gnomAD 0.00002 and 0.00003; gnomAD exomes 0.00002; TOPMed 0.00002; ESP Exome Variant Server 0.00008.
gnomAD v4.1: 10 of 1,613,138 alleles (0.00062%); highest among the groups gnomAD compares: African/African-American, 0.0053%; no homozygotes.

Submissions (2):

Labcorp Genetics (formerly Invitae), Labcorp
Classification: Uncertain significance for Charcot-Marie-Tooth disease type 4. Last evaluated: 2022-07-22. Review status: criteria provided, single submitter. Criteria: Invitae Variant Classification Sherloc (09022015). Collection method: clinical testing. Allele origin: germline.
Comment: This sequence change replaces arginine, which is basic and polar, with cysteine, which is neutral and slightly polar, at codon 716 of the FIG4 protein (p.Arg716Cys). This variant is present in population databases (rs139235893, gnomAD 0.007%). This variant has not been reported in the literature in individuals affected with FIG4-related conditions. ClinVar contains an entry for this variant (Variation ID: 439727). Algorithms developed to predict the effect of missense changes on protein structure and function are either unavailable or do not agree on the potential impact of this missense change (SIFT: "Deleterious"; PolyPhen-2: "Probably Damaging"; Align-GVGD: "Class C0"). In summary, the available evidence is currently insufficient to determine the role of this variant in disease. Therefore, it has been classified as a Variant of Uncertain Significance.

ARUP Laboratories, Molecular Genetics and Genomics, ARUP Laboratories
Classification: Uncertain significance. Last evaluated: 2017-01-31. Review status: criteria provided, single submitter. Criteria: ARUP Molecular Germline Variant Investigation Process. Collection method: clinical testing. Allele origin: germline.

NM_014845.6(FIG4):c.2146C>T (p.Arg716Cys)

Gene: FIG4 (FIG4 phosphoinositide 5-phosphatase; plus strand). Cytogenetic location: 6q21.
Variant type: single nucleotide variant.
Coding change: c.2146C>T on transcript NM_014845.6 (MANE Select); coding-DNA position 2146, C replaced by T.
Protein change: p.Arg716Cys; replaces arginine 716 with cysteine.
Molecular consequence: missense variant.
Genome position (GRCh38, 1-based): chr6:109,789,643, C>T. VCF-style: chr6-109789643-C-T. GRCh37 (hg19) VCF-style: chr6-110110846-C-T.
Other names: short protein forms R716C.
Identifiers: ClinVar variation 439727 (VCV000439727.14), dbSNP rs139235893, ClinGen allele CA3956297.
Genomic context (GRCh38, chr6:109,789,643, plus strand): 5'-CCTTTCTTTAGTGACTTTATGCCTAAGACCGTTGGAATTGATCCAAGTCCATTTACTGTG[C>T]GTAAACCAGATGAAACTGGAAAATCAGTATTGGGGTAAGATTTGTGTATAGAACGAAACT-3'
Protein context (NP_055660.1, residues 706-726): VGIDPSPFTV[Arg716Cys]KPDETGKSVL